The following is an entry in ClinVar:

ClinVar aggregate classification (germline): Pathogenic (1 of 4 stars; one submission).

Submission:

Labcorp Genetics (formerly Invitae), Labcorp
Classification: Pathogenic. Last evaluated: 2023-01-25. Review status: criteria provided, single submitter. Criteria: Invitae Variant Classification Sherloc (09022015). Collection method: clinical testing. Allele origin: germline.
Comment: For these reasons, this variant has been classified as Pathogenic. ClinVar contains an entry for this variant (Variation ID: 1369094). This variant has not been reported in the literature in individuals affected with ASAH1-related conditions. The frequency data for this variant in the population databases is considered unreliable, as metrics indicate poor data quality at this position in the gnomAD database. This sequence change creates a premature translational stop signal (p.Gly153Argfs*21) in the ASAH1 gene. It is expected to result in an absent or disrupted protein product. Loss-of-function variants in ASAH1 are known to be pathogenic (PMID: 24164096, 24355074).

Literature cited by the submitters: PubMed 24164096; PubMed 24355074.

NM_177924.5(ASAH1):c.456dup (p.Gly153fs)

Gene: ASAH1 (N-acylsphingosine amidohydrolase 1; minus strand). Cytogenetic location: 8p22.
Variant type: Duplication.
Coding change: c.456dup on transcript NM_177924.5 (MANE Select); coding-DNA position 456, one base duplicated (A; older notation c.456dupA).
Protein change: p.Gly153fs; shifts the reading frame from glycine 153.
Molecular consequence: frameshift variant.
Genome position (GRCh38, 1-based): chr8:18,064,458, T duplicated on the plus strand (A on the coding strand, the reverse complement: ASAH1 is on the minus strand); the first of 6 consecutive T bases (chr8:18,064,458-18,064,463); duplicating any one gives the same sequence. VCF-style (leftmost placement, unchanged base first): chr8-18064457-C-CT. GRCh37 (hg19) VCF-style: chr8-17921966-C-CT.
Other names: c.438dup, p.Gly147fs (NM_001127505.3); c.261dup, p.Gly88fs (NM_001363743.2); c.504dup, p.Gly169fs (NM_004315.6); short protein forms G88fs, G147fs, G169fs, G153fs.
Identifiers: ClinVar variation 1369094 (VCV001369094.4), dbSNP rs768342020, ClinGen allele CA4650857.